The following is an entry in ClinVar:

NM_013432.5(TONSL):c.1274A>G (p.Gln425Arg)

Gene: TONSL (tonsoku like, DNA repair protein; minus strand). Cytogenetic location: 8q24.3.
Variant type: single nucleotide variant.
Coding change: c.1274A>G on transcript NM_013432.5 (MANE Select); coding-DNA position 1274, A replaced by G.
Protein change: p.Gln425Arg; replaces glutamine 425 with arginine.
Molecular consequence: missense variant.
Genome position (GRCh38, 1-based): chr8:144,440,367, T>C on the plus strand (A>G on the coding strand, the complement: TONSL is on the minus strand). VCF-style: chr8-144440367-T-C. GRCh37 (hg19) VCF-style: chr8-145665750-T-C.
Other names: short protein forms Q425R.
Identifiers: ClinVar variation 4781258 (VCV004781258.1).
Genomic context (GRCh38, chr8:144,440,367, plus strand): 5'-TGGGCTCACCGGGGAGCCAGTATGGGTGGGATGGGCTCTCGCACCTGCAGCTGGGGACGC[T>C]GGGCCTGCTGGGCACAGCTGAGCGCTTTCTGGAAGCACGGGGCCAGCAGCTCGTAGGCAT-3'
Protein context (NP_038460.4, residues 415-435): QKALSCAQQA[Gln425Arg]RPQLQRQVLQ

ClinVar aggregate classification (germline): Uncertain significance (1 of 4 stars; one submission).

Submission:

Labcorp Genetics (formerly Invitae), Labcorp
Classification: Uncertain significance. Last evaluated: 2025-08-01. Review status: criteria provided, single submitter. Criteria: Invitae Variant Classification Sherloc (09022015). Collection method: clinical testing. Allele origin: germline.
Comment: This sequence change replaces glutamine, which is neutral and polar, with arginine, which is basic and polar, at codon 425 of the TONSL protein (p.Gln425Arg). This variant is not present in population databases (gnomAD no frequency). This variant has not been reported in the literature in individuals affected with TONSL-related conditions. Invitae Evidence Modeling of protein sequence and biophysical properties (such as structural, functional, and spatial information, amino acid conservation, physicochemical variation, residue mobility, and thermodynamic stability) indicates that this missense variant is not expected to disrupt TONSL protein function with a negative predictive value of 80%. In summary, the available evidence is currently insufficient to determine the role of this variant in disease. Therefore, it has been classified as a Variant of Uncertain Significance.